The following is an entry in ClinVar:

NM_001130987.2(DYSF):c.2510G>A (p.Arg837Gln)

Gene: DYSF (dysferlin; plus strand). Cytogenetic location: 2p13.2.
Variant type: single nucleotide variant.
Coding change: c.2510G>A on transcript NM_001130987.2 (MANE Select); coding-DNA position 2510, G replaced by A.
Protein change: p.Arg837Gln; replaces arginine 837 with glutamine.
Molecular consequence: missense variant.
Genome position (GRCh38, 1-based): chr2:71,564,158, G>A. VCF-style: chr2-71564158-G-A. GRCh37 (hg19) VCF-style: chr2-71791288-G-A.
Other names: c.2459G>A, p.Arg820Gln (NM_001130455.2, NM_001130983.2); c.2414G>A, p.Arg805Gln (NM_001130976.2, NM_001130977.2); c.2456G>A, p.Arg819Gln (NM_001130978.2, NM_003494.4); c.2549G>A, p.Arg850Gln (NM_001130979.2); c.2507G>A, p.Arg836Gln (NM_001130980.2, NM_001130981.2); c.2552G>A, p.Arg851Gln (NM_001130982.2); c.2417G>A, p.Arg806Gln (NM_001130984.2, NM_001130986.2); c.2510G>A, p.Arg837Gln (NM_001130985.2); short protein forms R819Q, R837Q, R820Q, R850Q, R851Q, R806Q, R836Q, R805Q.
Identifiers: ClinVar variation 497312 (VCV000497312.31), dbSNP rs748636047, ClinGen allele CA1706192.
Genomic context (GRCh38, chr2:71,564,158, plus strand): 5'-AGGGAGACAAGCGTGTGGCATACCAGCGGGTGCCCGCCCACCAAGTCCTCTTCTCCCGGC[G>A]GGGTGCCAACTACTGTGGCAAGAATTGTGGGAAGCTACAGACAATCTTTCTGAAAGTGAG-3'
Protein context (NP_001124459.1, residues 827-847): VPAHQVLFSR[Arg837Gln]GANYCGKNCG

ClinVar aggregate classification (germline): Conflicting classifications of pathogenicity. Review status: criteria provided, conflicting classifications (1 of 4 stars). 5 submissions from 5 submitters: Uncertain significance (3); Likely benign (1). 1 of the submissions does not count toward it. Last evaluated 2026-01-19.

Conditions:
Autosomal recessive limb-girdle muscular dystrophy type 2B (LGMDR2). Also called: MUSCULAR DYSTROPHY, LIMB-GIRDLE, AUTOSOMAL RECESSIVE 2; MUSCULAR DYSTROPHY, LIMB-GIRDLE, TYPE 3; Limb-Girdle Muscular Dystrophy Type 2B (LGMD2B); Limb-girdle muscular dystrophy, type 2B. Identifiers: Orphanet 268, MedGen C1850889, MONDO:0009676, OMIM 253601.
Neuromuscular disease caused by qualitative or quantitative defects of dysferlin. Also called: Qualitative or quantitative defects of dysferlin; Dysferlinopathy. Identifiers: Orphanet 207073, MedGen C2931687, MONDO:0016145.

Allele frequency attached by ClinVar (database versions not stated): ExAC 0.00002; gnomAD exomes 0.00003 and 0.00004; TOPMed 0.00003; gnomAD 0.00004.
gnomAD v4.1: 56 of 1,614,150 alleles (0.0035%); highest among the groups gnomAD compares: Middle Eastern, 0.016%; no homozygotes.

Submissions (5):

Labcorp Genetics (formerly Invitae), Labcorp
Classification: Likely benign for Neuromuscular disease caused by qualitative or quantitative defects of dysferlin. Last evaluated: 2026-01-19. Review status: criteria provided, single submitter. Criteria: Invitae Variant Classification Sherloc (09022015). Collection method: clinical testing. Allele origin: germline.

CeGaT Center for Human Genetics Tuebingen
Classification: Uncertain significance. Last evaluated: 2024-07-01. Review status: criteria provided, single submitter. Criteria: CeGaT Center For Human Genetics Tuebingen Variant Classification Criteria Version 2. Collection method: clinical testing. Allele origin: germline. Affected: yes. Observed: 1 variant allele.
Comment: DYSF: PM2, BP4

Revvity Omics, Revvity
Classification: Uncertain significance. Last evaluated: 2024-06-10. Review status: criteria provided, single submitter. Criteria: ACMG Guidelines, 2015. Collection method: clinical testing. Allele origin: germline.

Eurofins Ntd Llc (ga)
Classification: Uncertain significance. Last evaluated: 2016-09-28. Review status: criteria provided, single submitter. Criteria: EGL Classification Definitions 2015. Collection method: clinical testing. Allele origin: germline. Observed: 1 variant allele, 1 heterozygote.

Natera, Inc.
Classification: Uncertain significance for Limb-girdle muscular dystrophy type 2B. Last evaluated: 2020-02-16. Review status: no assertion criteria provided. Collection method: clinical testing. Allele origin: germline. Not counted in ClinVar's aggregate classification.